The following is an entry in ClinVar:

ClinVar aggregate classification (germline): not provided (0 of 4 stars; one submission).

Allele frequency attached by ClinVar (database versions not stated): gnomAD 0.00001; gnomAD exomes 0.00001 and 0.00002; ExAC 0.00002; TOPMed 0.00002.
gnomAD v4.1: 29 of 1,614,140 alleles (0.0018%); highest among the groups gnomAD compares: Non-Finnish European, 0.0023%; no homozygotes.

Submission:

ITMI
No classification provided. Condition: AllHighlyPenetrant. Last evaluated: 2013-09-19. Review status: no classification provided. Collection method: reference population. Allele origin: germline.
Comment: Please see associated publication for description of ethnicities

Literature cited by the submitters: PubMed 24728327.

NM_170606.3(KMT2C):c.10928C>T (p.Thr3643Ile)

Gene: KMT2C (lysine methyltransferase 2C; minus strand). Cytogenetic location: 7q36.1.
Variant type: single nucleotide variant.
Coding change: c.10928C>T on transcript NM_170606.3 (MANE Select); coding-DNA position 10928, C replaced by T.
Protein change: p.Thr3643Ile; replaces threonine 3643 with isoleucine.
Molecular consequence: missense variant.
Genome position (GRCh38, 1-based): chr7:152,162,649, G>A on the plus strand (C>T on the coding strand, the complement: KMT2C is on the minus strand). VCF-style: chr7-152162649-G-A. GRCh37 (hg19) VCF-style: chr7-151859734-G-A.
Other names: short protein forms T3643I.
Identifiers: ClinVar variation 134791 (VCV000134791.1), dbSNP rs587778504, ClinGen allele CA160751.